The following is an entry in ClinVar:

ClinVar aggregate classification (germline): Uncertain significance (1 of 4 stars; one submission).

Conditions:
Congenital myotonia, autosomal dominant form (THD). Also called: THOMSEN DISEASE; Myotonia congenita autosomal dominant. Identifiers: Orphanet 614, MedGen C2936781, MONDO:0008055, OMIM 160800.
Congenital myotonia, autosomal recessive form. Also called: BECKER DISEASE; Becker Generalized Myotonia; myotonia congenita, autosomal recessive. Identifiers: Orphanet 614, MedGen C0751360, MONDO:0009715, OMIM 255700.

Submission:

Labcorp Genetics (formerly Invitae), Labcorp
Classification: Uncertain significance for Congenital myotonia, autosomal recessive form; Congenital myotonia, autosomal dominant form. Last evaluated: 2023-08-23. Review status: criteria provided, single submitter. Criteria: Invitae Variant Classification Sherloc (09022015). Collection method: clinical testing. Allele origin: germline.
Comment: In summary, the available evidence is currently insufficient to determine the role of this variant in disease. Therefore, it has been classified as a Variant of Uncertain Significance. Advanced modeling of protein sequence and biophysical properties (such as structural, functional, and spatial information, amino acid conservation, physicochemical variation, residue mobility, and thermodynamic stability) performed at Invitae indicates that this missense variant is expected to disrupt CLCN1 protein function. This variant has not been reported in the literature in individuals affected with CLCN1-related conditions. This variant is not present in population databases (gnomAD no frequency). This sequence change replaces leucine, which is neutral and non-polar, with arginine, which is basic and polar, at codon 360 of the CLCN1 protein (p.Leu360Arg).

NM_000083.3(CLCN1):c.1079T>G (p.Leu360Arg)

Gene: CLCN1 (chloride voltage-gated channel 1; plus strand). Cytogenetic location: 7q34.
Variant type: single nucleotide variant.
Coding change: c.1079T>G on transcript NM_000083.3 (MANE Select); coding-DNA position 1079, T replaced by G.
Protein change: p.Leu360Arg; replaces leucine 360 with arginine.
Molecular consequence: missense variant. On other transcripts: non-coding transcript variant (1).
Genome position (GRCh38, 1-based): chr7:143,331,565, T>G. VCF-style: chr7-143331565-T-G. GRCh37 (hg19) VCF-style: chr7-143028658-T-G.
Other names: short protein forms L360R.
Identifiers: ClinVar variation 2923963 (VCV002923963.3), dbSNP rs1802724888, ClinGen allele CA369642072.
Genomic context (GRCh38, chr7:143,331,565, plus strand): 5'-GGATTTCATGTCTGTAAGATTCCAACTCTATAAATTACACCCTCAGGATTTGCTGTGGGC[T>G]CCTGGGAGCTGTATTTGTGTATCTGCATCGCCAAGTCATGCTCGGTGTCCGAAAGCACAA-3'
Protein context (NP_000074.3, residues 350-370): AFAAIGICCG[Leu360Arg]LGAVFVYLHR